The following is an entry in ClinVar:

NM_021072.4(HCN1):c.8G>T (p.Gly3Val)

Gene: HCN1 (hyperpolarization activated cyclic nucleotide gated potassium channel 1; minus strand). Cytogenetic location: 5p12.
Variant type: single nucleotide variant.
Coding change: c.8G>T on transcript NM_021072.4 (MANE Select); coding-DNA position 8, G replaced by T.
Protein change: p.Gly3Val; replaces glycine 3 with valine.
Molecular consequence: missense variant.
Genome position (GRCh38, 1-based): chr5:45,696,086, C>A on the plus strand (G>T on the coding strand, the complement: HCN1 is on the minus strand). VCF-style: chr5-45696086-C-A. GRCh37 (hg19) VCF-style: chr5-45696188-C-A.
Other names: short protein forms G3V.
Identifiers: ClinVar variation 2814889 (VCV002814889.3), dbSNP rs1271471544, ClinGen allele CA359706945.

ClinVar aggregate classification (germline): Uncertain significance (1 of 4 stars; one submission).

Conditions:
Early-infantile DEE. Also called: Early infantile epileptic encephalopathy; Early infantile epileptic encephalopathy with suppression bursts; Ohtahara syndrome. Identifiers: Orphanet 1934, MedGen C0393706, MONDO:0800491.

Submission:

Labcorp Genetics (formerly Invitae), Labcorp
Classification: Uncertain significance for Early-infantile DEE. Last evaluated: 2024-11-11. Review status: criteria provided, single submitter. Criteria: Invitae Variant Classification Sherloc (09022015). Collection method: clinical testing. Allele origin: germline.
Comment: This sequence change replaces glycine, which is neutral and non-polar, with valine, which is neutral and non-polar, at codon 3 of the HCN1 protein (p.Gly3Val). This variant is not present in population databases (gnomAD no frequency). This variant has not been reported in the literature in individuals affected with HCN1-related conditions. ClinVar contains an entry for this variant (Variation ID: 2814889). Invitae Evidence Modeling of protein sequence and biophysical properties (such as structural, functional, and spatial information, amino acid conservation, physicochemical variation, residue mobility, and thermodynamic stability) has been performed for this missense variant. However, the output from this modeling did not meet the statistical confidence thresholds required to predict the impact of this variant on HCN1 protein function. In summary, the available evidence is currently insufficient to determine the role of this variant in disease. Therefore, it has been classified as a Variant of Uncertain Significance.